The following is an entry in ClinVar:

NM_000046.5(ARSB):c.1391C>A (p.Ser464Ter)

Gene: ARSB (arylsulfatase B; minus strand). Cytogenetic location: 5q14.1.
Variant type: single nucleotide variant.
Coding change: c.1391C>A on transcript NM_000046.5 (MANE Select); coding-DNA position 1391, C replaced by A.
Protein change: p.Ser464Ter; replaces serine 464 with a stop codon.
Molecular consequence: nonsense.
Genome position (GRCh38, 1-based): chr5:78,780,608, G>T on the plus strand (C>A on the coding strand, the complement: ARSB is on the minus strand). VCF-style: chr5-78780608-G-T. GRCh37 (hg19) VCF-style: chr5-78076431-G-T.
Other names: short protein forms S464*.
Identifiers: ClinVar variation 559710 (VCV000559710.1), dbSNP rs769996056, ClinGen allele CA360339213.

ClinVar aggregate classification (germline): Likely pathogenic (1 of 4 stars; one submission).

Conditions:
Mucopolysaccharidosis type 6 (MPS6). Also called: N-ACETYLGALACTOSAMINE-4-SULFATASE DEFICIENCY; MPS VI; MPS 6; Maroteaux Lamy syndrome; ARSB DEFICIENCY; ARYLSULFATASE B DEFICIENCY. Identifiers: Orphanet 583, MedGen C0026709, MONDO:0009661, OMIM 253200.

Submission:

Laboratory of Diagnosis and Therapy of Lysosomal Disorders, University of Padova
Classification: Likely pathogenic for Mucopolysaccharidosis type 6. Last evaluated: 2018-01-01. Review status: criteria provided, single submitter. Criteria: ACMG Guidelines, 2015. Collection method: curation. Allele origin: germline. Affected: yes.
Comment: Nonsense variant (PVS1); Absent from GnomAD (PM2)

Literature cited by the submitters: PubMed 25190157; PubMed 30118150.